The following is an entry in ClinVar:

ClinVar aggregate classification (germline): Benign/Likely benign. Review status: criteria provided, multiple submitters, no conflicts (2 of 4 stars). 4 submissions from 4 submitters: Benign (1); Likely benign (3). Last evaluated 2025-11-14.

Conditions:
Hereditary cancer-predisposing syndrome. Also called: Tumor predisposition; Neoplastic Syndromes, Hereditary; Hereditary neoplastic syndrome; Hereditary Cancer Syndrome. Identifiers: Orphanet 140162, MedGen C0027672, MeSH D009386, MONDO:0015356.
Renal cell carcinoma. Identifiers: Orphanet 217071, MedGen C0007134, MeSH D002292, MONDO:0005086, HP:0005584.
Papillary renal cell carcinoma type 1 (RCCP1). Also called: RENAL CELL CARCINOMA, PAPILLARY, 1, SOMATIC; Renal adenocarcinoma; Renal cell carcinoma 1; Renal cell carcinoma, somatic. Identifiers: Orphanet 47044, MedGen C1336839, OMIM 605074, HP:0011797.

Allele frequency attached by ClinVar (database versions not stated): gnomAD exomes 0.00001 and 0.00002; gnomAD 0.00002; TOPMed 0.00002.
gnomAD v4.1: 17 of 1,613,778 alleles (0.0011%); highest among the groups gnomAD compares: African/African-American, 0.0053%; no homozygotes.

Submissions (4):

Labcorp Genetics (formerly Invitae), Labcorp
Classification: Likely benign for Renal cell carcinoma. Last evaluated: 2025-11-14. Review status: criteria provided, single submitter. Criteria: Invitae Variant Classification Sherloc (09022015). Collection method: clinical testing. Allele origin: germline.

Myriad Genetics, Inc.
Classification: Benign for Papillary renal cell carcinoma type 1. Last evaluated: 2024-11-07. Review status: criteria provided, single submitter. Criteria: Myriad Autosomal Dominant, Autosomal Recessive and X-Linked Classification Criteria (2023). Collection method: clinical testing. Allele origin: unknown.
Comment: This variant is considered benign. This variant is a silent/synonymous amino acid change and it is not expected to impact splicing.

GeneDx
Classification: Likely benign. Last evaluated: 2020-11-25. Review status: criteria provided, single submitter. Criteria: GeneDx Variant Classification Process June 2021. Collection method: clinical testing. Allele origin: germline. Affected: yes.

Ambry Genetics
Classification: Likely benign for Hereditary cancer-predisposing syndrome. Last evaluated: 2019-09-19. Review status: criteria provided, single submitter. Criteria: Ambry Variant Classification Scheme 2023. Collection method: clinical testing. Allele origin: germline.

NM_000245.4(MET):c.1533G>A (p.Thr511=)

Gene: MET (MET proto-oncogene, receptor tyrosine kinase; plus strand). Cytogenetic location: 7q31.2.
Variant type: single nucleotide variant.
Coding change: c.1533G>A on transcript NM_000245.4 (MANE Select); coding-DNA position 1533, G replaced by A.
Protein change: p.Thr511=; no amino-acid change (threonine 511 retained).
Molecular consequence: synonymous variant.
Genome position (GRCh38, 1-based): chr7:116,740,857, G>A. VCF-style: chr7-116740857-G-A. GRCh37 (hg19) VCF-style: chr7-116380911-G-A.
Other names: c.1533G>A, p.Thr511= (NM_001127500.3, NM_001324401.3); c.243G>A, p.Thr81= (NM_001324402.2).
Identifiers: ClinVar variation 416933 (VCV000416933.17), dbSNP rs866306366, ClinGen allele CA16612142.